The following is an entry in ClinVar:

ClinVar aggregate classification (germline): Uncertain significance (1 of 4 stars; one submission).

Submission:

GeneDx
Classification: Uncertain significance. Last evaluated: 2026-04-23. Review status: criteria provided, single submitter. Criteria: GeneDx Variant Classification Process June 2021. Collection method: clinical testing. Allele origin: germline.
Comment: Not observed at significant frequency in large population cohorts (gnomAD); Has not been previously published as pathogenic or benign to our knowledge; In silico analysis is inconclusive as to whether the variant alters gene splicing. In the absence of RNA/functional studies, the actual effect of this sequence change is unknown.

NM_138792.4(LEO1):c.1246-13del

Gene: LEO1 (LEO1 component of Paf1/RNA polymerase II complex; minus strand). Cytogenetic location: 15q21.2.
Variant type: Deletion.
Coding change: c.1246-13del on transcript NM_138792.4 (MANE Select); 13 bases into the intron before coding-DNA position 1246, one base deleted (T; older notation c.1246-13delT).
Molecular consequence: intron variant.
Genome position (GRCh38, 1-based): chr15:51,954,588, A deleted on the plus strand (T on the coding strand, the reverse complement: LEO1 is on the minus strand). VCF-style (leftmost placement, unchanged base first): chr15-51954587-CA-C. GRCh37 (hg19) VCF-style: chr15-52246784-CA-C.
Other names: c.1161-1325del (NM_001286430.2); c.1246-13del (NM_001323904.2, NM_001426598.1, NM_001323903.2 and 1 more transcripts).
Identifiers: ClinVar variation 5037553 (VCV005037553.1).
Genomic context (GRCh38, chr15:51,954,587, plus strand): 5'-CATTTCCTTCTTCATCTCGGCGTATCCTCCATCTTATAGTATTTTCTACCTGTTTCACAA[CA>C]CAAGTACTTTAGAAAATTATAGTTTAAATGACTCTATGCATCTTGTTTTTCCTCAAGAGG-3'